The following is an entry in ClinVar:

ClinVar aggregate classification (germline): Uncertain significance (1 of 4 stars; one submission).

Submission:

Labcorp Genetics (formerly Invitae), Labcorp
Classification: Uncertain significance. Last evaluated: 2022-09-27. Review status: criteria provided, single submitter. Criteria: Invitae Variant Classification Sherloc (09022015). Collection method: clinical testing. Allele origin: germline.
Comment: In summary, the available evidence is currently insufficient to determine the role of this variant in disease. Therefore, it has been classified as a Variant of Uncertain Significance. Advanced modeling of protein sequence and biophysical properties (such as structural, functional, and spatial information, amino acid conservation, physicochemical variation, residue mobility, and thermodynamic stability) performed at Invitae indicates that this missense variant is expected to disrupt FREM2 protein function. This variant has not been reported in the literature in individuals affected with FREM2-related conditions. This variant is not present in population databases (gnomAD no frequency). This sequence change replaces valine, which is neutral and non-polar, with glycine, which is neutral and non-polar, at codon 537 of the FREM2 protein (p.Val537Gly).

NM_207361.6(FREM2):c.1610T>G (p.Val537Gly)

Gene: FREM2 (FRAS1 related extracellular matrix 2; plus strand). Cytogenetic location: 13q13.3.
Variant type: single nucleotide variant.
Coding change: c.1610T>G on transcript NM_207361.6 (MANE Select); coding-DNA position 1610, T replaced by G.
Protein change: p.Val537Gly; replaces valine 537 with glycine.
Molecular consequence: missense variant.
Genome position (GRCh38, 1-based): chr13:38,688,954, T>G. VCF-style: chr13-38688954-T-G. GRCh37 (hg19) VCF-style: chr13-39263091-T-G.
Other names: short protein forms V537G.
Identifiers: ClinVar variation 1720496 (VCV001720496.5), dbSNP rs2541353093, ClinGen allele CA387886418.